The following is an entry in ClinVar:

NM_000069.3(CACNA1S):c.1723C>T (p.Leu575Phe)

Gene: CACNA1S (calcium voltage-gated channel subunit alpha1 S; minus strand). Cytogenetic location: 1q32.1.
Variant type: single nucleotide variant.
Coding change: c.1723C>T on transcript NM_000069.3 (MANE Select); coding-DNA position 1723, C replaced by T.
Protein change: p.Leu575Phe; replaces leucine 575 with phenylalanine.
Molecular consequence: missense variant.
Genome position (GRCh38, 1-based): chr1:201,077,024, G>A on the plus strand (C>T on the coding strand, the complement: CACNA1S is on the minus strand). VCF-style: chr1-201077024-G-A. GRCh37 (hg19) VCF-style: chr1-201046152-G-A.
Other names: short protein forms L575F.
Identifiers: ClinVar variation 655458 (VCV000655458.12), dbSNP rs772213240, ClinGen allele CA078532.

ClinVar aggregate classification (germline): Uncertain significance. Review status: criteria provided, multiple submitters, no conflicts (2 of 4 stars). 10 submissions from 7 submitters: Uncertain significance (10). Last evaluated 2025-11-13.

Conditions:
Congenital myopathy 18. Also called: DIHYDROPYRIDINE RECEPTOR CONGENITAL MYOPATHY; DHPR CONGENITAL MYOPATHY; Myopathy, congenital, due to dihydropyridine receptor defect. Identifiers: MedGen C5830283, MONDO:0859514, OMIM 620246.
Malignant hyperthermia, susceptibility to, 5 (MHS5). Also called: CACNA1S-Related Malignant Hyperthermia Susceptibility. Identifiers: Orphanet 423, MedGen C1866077, MONDO:0011163, OMIM 601887.
Hypokalemic periodic paralysis, type 1. Also called: HypoPP; Hypokalemic Periodic Paralysis Type 1 (AD). Identifiers: Orphanet 681, MedGen C3714580, MONDO:0042979, OMIM 170400.
Thyrotoxic periodic paralysis, susceptibility to, 1 (TTPP1). Identifiers: Orphanet 79102, MedGen C2749982, MONDO:0008570, OMIM 188580.
Inborn genetic diseases. Identifiers: MedGen C0950123, MeSH D030342.

Allele frequency attached by ClinVar (database versions not stated): gnomAD 0.00001; TOPMed 0.00001; ExAC 0.00002; gnomAD exomes 0.00002 and 0.00003.
gnomAD v4.1: 32 of 1,614,036 alleles (0.002%); highest among the groups gnomAD compares: Non-Finnish European, 0.0025%; no homozygotes.

Submissions (10):

Women's Health and Genetics/Laboratory Corporation of America, LabCorp
Classification: Uncertain significance. Last evaluated: 2025-11-13. Review status: criteria provided, single submitter. Criteria: LabCorp Variant Classification Summary - May 2015. Collection method: clinical testing. Allele origin: germline.
Comment: Variant summary: CACNA1S c.1723C>T (p.Leu575Phe) results in a non-conservative amino acid change in the encoded protein sequence. Algorithms developed to predict the effect of missense changes on protein structure and function all suggest that this variant is likely to be disruptive. The variant allele was found at a frequency of 3.2e-05 in 251494 control chromosomes. The available data on variant occurrences in the general population are insufficient to allow any conclusion about variant significance. To our knowledge, no occurrence of c.1723C>T in individuals affected with CACNA1S-related conditions and no experimental evidence demonstrating its impact on protein function have been reported. ClinVar contains an entry for this variant (Variation ID: 655458). Based on the evidence outlined above, the variant was classified as uncertain significance.

Labcorp Genetics (formerly Invitae), Labcorp
Classification: Uncertain significance for Hypokalemic periodic paralysis, type 1; Malignant hyperthermia, susceptibility to, 5. Last evaluated: 2025-09-10. Review status: criteria provided, single submitter. Criteria: Invitae Variant Classification Sherloc (09022015). Collection method: clinical testing. Allele origin: germline.
Comment: This sequence change replaces leucine, which is neutral and non-polar, with phenylalanine, which is neutral and non-polar, at codon 575 of the CACNA1S protein (p.Leu575Phe). This variant is present in population databases (rs772213240, gnomAD 0.006%). This variant has not been reported in the literature in individuals affected with CACNA1S-related conditions. ClinVar contains an entry for this variant (Variation ID: 655458). Invitae Evidence Modeling of protein sequence and biophysical properties (such as structural, functional, and spatial information, amino acid conservation, physicochemical variation, residue mobility, and thermodynamic stability) has been performed for this missense variant. However, the output from this modeling did not meet the statistical confidence thresholds required to predict the impact of this variant on CACNA1S protein function. In summary, the available evidence is currently insufficient to determine the role of this variant in disease. Therefore, it has been classified as a Variant of Uncertain Significance.

Fulgent Genetics
Classification: Uncertain significance for Hypokalemic periodic paralysis, type 1; Thyrotoxic periodic paralysis, susceptibility to, 1; Malignant hyperthermia, susceptibility to, 5; Congenital myopathy 18. Last evaluated: 2024-04-04. Review status: criteria provided, single submitter. Criteria: ACMG Guidelines, 2015. Collection method: clinical testing. Allele origin: germline.

Color Diagnostics, LLC DBA Color Health
Classification: Uncertain significance for Malignant hyperthermia, susceptibility to, 5. Last evaluated: 2024-02-14. Review status: criteria provided, single submitter. Criteria: ACMG Guidelines, 2015. Collection method: clinical testing. Allele origin: germline.
Comment: This missense variant replaces leucine with phenylalanine at codon 575 of the CACNA1S protein. Computational prediction suggests that this variant may have deleterious impact on protein structure and function. To our knowledge, functional studies have not been reported for this variant. This variant has not been reported in individuals affected with CACNA1S-related disorders in the literature. This variant has been identified in 8/251494 chromosomes in the general population by the Genome Aggregation Database (gnomAD). The available evidence is insufficient to determine the role of this variant in disease conclusively. Therefore, this variant is classified as a Variant of Uncertain Significance.

Ambry Genetics
Classification: Uncertain significance for Inborn genetic diseases. Last evaluated: 2023-10-24. Review status: criteria provided, single submitter. Criteria: Ambry Variant Classification Scheme 2023. Collection method: clinical testing. Allele origin: germline.

Genome-Nilou Lab
Classification: Uncertain significance for Malignant hyperthermia, susceptibility to, 5. Last evaluated: 2023-04-11. Review status: criteria provided, single submitter. Criteria: ACMG Guidelines, 2015. Collection method: clinical testing. Allele origin: germline. Affected: no.

Genome-Nilou Lab
Classification: Uncertain significance for Thyrotoxic periodic paralysis, susceptibility to, 1. Last evaluated: 2023-04-11. Review status: criteria provided, single submitter. Criteria: ACMG Guidelines, 2015. Collection method: clinical testing. Allele origin: germline. Affected: no.

Genome-Nilou Lab
Classification: Uncertain significance for Congenital myopathy 18. Last evaluated: 2023-04-11. Review status: criteria provided, single submitter. Criteria: ACMG Guidelines, 2015. Collection method: clinical testing. Allele origin: germline. Affected: no.

Genome-Nilou Lab
Classification: Uncertain significance for Hypokalemic periodic paralysis, type 1. Last evaluated: 2023-04-11. Review status: criteria provided, single submitter. Criteria: ACMG Guidelines, 2015. Collection method: clinical testing. Allele origin: germline. Affected: no.

GeneDx
Classification: Uncertain significance. Last evaluated: 2022-05-16. Review status: criteria provided, single submitter. Criteria: GeneDx Variant Classification Process June 2021. Collection method: clinical testing. Allele origin: germline. Affected: yes.
Comment: In silico analysis supports that this missense variant has a deleterious effect on protein structure/function; Has not been previously published as pathogenic or benign to our knowledge